The following is an entry in ClinVar:

NM_000435.3(NOTCH3):c.3352A>G (p.Asn1118Asp)

Gene: NOTCH3 (notch receptor 3; minus strand). Cytogenetic location: 19p13.12.
Variant type: single nucleotide variant.
Coding change: c.3352A>G on transcript NM_000435.3 (MANE Select); coding-DNA position 3352, A replaced by G.
Protein change: p.Asn1118Asp; replaces asparagine 1118 with aspartic acid.
Molecular consequence: missense variant.
Genome position (GRCh38, 1-based): chr19:15,179,472, T>C on the plus strand (A>G on the coding strand, the complement: NOTCH3 is on the minus strand). VCF-style: chr19-15179472-T-C. GRCh37 (hg19) VCF-style: chr19-15290283-T-C.
Other names: short protein forms N1118D.
Identifiers: ClinVar variation 3571772 (VCV003571772.1).

ClinVar aggregate classification (germline): Uncertain significance (1 of 4 stars; one submission).

Submission:

Athena Diagnostics
Classification: Uncertain significance. Last evaluated: 2024-02-20. Review status: criteria provided, single submitter. Criteria: Athena Diagnostics Criteria. Collection method: clinical testing. Allele origin: unknown.
Comment: Available data are insufficient to determine the clinical significance of the variant at this time. This variant has not been reported in large, multi-ethnic general populations. Computational tools predict that this variant is not damaging. Greater than 90% of NOTCH3 pathogenic variants associated with CADASIL involve the gain or loss of a cysteine residue within the epidermal growth factor (EGF)-like repeat domain (PMID: 32457593, 20301673).